The following is an entry in ClinVar:

ClinVar aggregate classification (germline): Uncertain significance. Review status: criteria provided, multiple submitters, no conflicts (2 of 4 stars). 2 submissions from 2 submitters: Uncertain significance (2). Last evaluated 2025-08-08.

Conditions:
Cardiovascular phenotype. Identifiers: MedGen CN230736.
Long QT syndrome 6 (LQT6). Identifiers: Orphanet 101016, Orphanet 768, MedGen C3150953, MONDO:0013370, OMIM 613693.

Allele frequency attached by ClinVar (database versions not stated): TOPMed below 0.00001; gnomAD 0.00001.

Submissions (2):

Ambry Genetics
Classification: Uncertain significance for Cardiovascular phenotype. Last evaluated: 2025-08-08. Review status: criteria provided, single submitter. Criteria: Ambry Variant Classification Scheme 2023. Collection method: clinical testing. Allele origin: germline.

Labcorp Genetics (formerly Invitae), Labcorp
Classification: Uncertain significance for Long QT syndrome 6. Last evaluated: 2022-01-05. Review status: criteria provided, single submitter. Criteria: Invitae Variant Classification Sherloc (09022015). Collection method: clinical testing. Allele origin: germline.
Comment: This sequence change replaces histidine, which is basic and polar, with arginine, which is basic and polar, at codon 79 of the KCNE2 protein (p.His79Arg). This variant is not present in population databases (gnomAD no frequency). This variant has not been reported in the literature in individuals affected with KCNE2-related conditions. Algorithms developed to predict the effect of missense changes on protein structure and function (SIFT, PolyPhen-2, Align-GVGD) all suggest that this variant is likely to be tolerated. In summary, the available evidence is currently insufficient to determine the role of this variant in disease. Therefore, it has been classified as a Variant of Uncertain Significance.

NM_172201.2(KCNE2):c.236A>G (p.His79Arg)

Genes: KCNE2 (potassium voltage-gated channel subfamily E regulatory subunit 2; plus strand), LOC105372791 (uncharacterized LOC105372791; minus strand). Cytogenetic location: 21q22.11.
Variant type: single nucleotide variant.
Coding change: c.236A>G on transcript NM_172201.2 (MANE Select); coding-DNA position 236, A replaced by G.
Protein change: p.His79Arg; replaces histidine 79 with arginine.
Molecular consequence: missense variant.
Genome position (GRCh38, 1-based): chr21:34,370,714, A>G. VCF-style: chr21-34370714-A-G. GRCh37 (hg19) VCF-style: chr21-35743013-A-G.
Other names: short protein forms H79R.
Identifiers: ClinVar variation 1790262 (VCV001790262.5), dbSNP rs770895197, ClinGen allele CA410196767.